The following is an entry in ClinVar:

NM_021728.4(OTX2):c.742A>G (p.Thr248Ala)

Gene: OTX2 (orthodenticle homeobox 2; minus strand). Cytogenetic location: 14q22.3.
Variant type: single nucleotide variant.
Coding change: c.742A>G on transcript NM_021728.4 (MANE Select); coding-DNA position 742, A replaced by G.
Protein change: p.Thr248Ala; replaces threonine 248 with alanine.
Molecular consequence: missense variant. On other transcripts: non-coding transcript variant (2).
Genome position (GRCh38, 1-based): chr14:56,801,887, T>C on the plus strand (A>G on the coding strand, the complement: OTX2 is on the minus strand). VCF-style: chr14-56801887-T-C. GRCh37 (hg19) VCF-style: chr14-57268605-T-C.
Other names: c.718A>G, p.Thr240Ala (NM_001270523.2, NM_001270524.2, NM_172337.3); c.742A>G, p.Thr248Ala (NM_001270525.2); short protein forms T240A, T248A.
Identifiers: ClinVar variation 4730381 (VCV004730381.1).

ClinVar aggregate classification (germline): Uncertain significance (1 of 4 stars; one submission).

Conditions:
Anophthalmia-microphthalmia syndrome. Also called: Anophthalmia/Microphthalmia; Anophthalmia - microphthalmia. Identifiers: Orphanet 98555, MedGen C5680330, MONDO:0020147.

Submission:

Labcorp Genetics (formerly Invitae), Labcorp
Classification: Uncertain significance for Anophthalmia-microphthalmia syndrome. Last evaluated: 2025-11-03. Review status: criteria provided, single submitter. Criteria: Invitae Variant Classification Sherloc (09022015). Collection method: clinical testing. Allele origin: germline.
Comment: This sequence change replaces threonine, which is neutral and polar, with alanine, which is neutral and non-polar, at codon 240 of the OTX2 protein (p.Thr240Ala). This variant is not present in population databases (gnomAD no frequency). This variant has not been reported in the literature in individuals affected with OTX2-related conditions. An algorithm developed to predict the effect of missense changes on protein structure and function (PolyPhen-2) suggests that this variant is likely to be tolerated. In summary, the available evidence is currently insufficient to determine the role of this variant in disease. Therefore, it has been classified as a Variant of Uncertain Significance.